The following is an entry in ClinVar:

ClinVar aggregate classification (germline): Uncertain significance (1 of 4 stars; one submission).

Conditions:
Emery-Dreifuss muscular dystrophy 5, autosomal dominant (EDMD5). Also called: EMERY-DREIFUSS MUSCULAR DYSTROPHY 5. Identifiers: Orphanet 261, MedGen C2751805, MONDO:0013072, OMIM 612999.

Allele frequency attached by ClinVar (database versions not stated): gnomAD exomes below 0.00001.
gnomAD v4.1: 1 of 1,613,640 alleles (0.000062%); highest among the groups gnomAD compares: Non-Finnish European, 0.000085%; no homozygotes.

Submission:

Labcorp Genetics (formerly Invitae), Labcorp
Classification: Uncertain significance for Emery-Dreifuss muscular dystrophy 5, autosomal dominant. Last evaluated: 2020-12-01. Review status: criteria provided, single submitter. Criteria: Invitae Variant Classification Sherloc (09022015). Collection method: clinical testing. Allele origin: germline.
Comment: In summary, the available evidence is currently insufficient to determine the role of this variant in disease. Therefore, it has been classified as a Variant of Uncertain Significance. Algorithms developed to predict the effect of sequence changes on RNA splicing suggest that this variant may create or strengthen a splice site, but this prediction has not been confirmed by published transcriptional studies. Algorithms developed to predict the effect of missense changes on protein structure and function are either unavailable or do not agree on the potential impact of this missense change (SIFT: "Tolerated"; PolyPhen-2: "Probably Damaging"; Align-GVGD: "Class C0"). This variant has not been reported in the literature in individuals with SYNE2-related conditions. This variant is not present in population databases (ExAC no frequency). This sequence change replaces leucine with glutamine at codon 5535 of the SYNE2 protein (p.Leu5535Gln). The leucine residue is moderately conserved and there is a moderate physicochemical difference between leucine and glutamine.

NM_182914.3(SYNE2):c.16604T>A (p.Leu5535Gln)

Gene: SYNE2 (spectrin repeat containing nuclear envelope protein 2; plus strand). Cytogenetic location: 14q23.2.
Variant type: single nucleotide variant.
Coding change: c.16604T>A on transcript NM_182914.3 (MANE Select); coding-DNA position 16604, T replaced by A.
Protein change: p.Leu5535Gln; replaces leucine 5535 with glutamine.
Molecular consequence: missense variant.
Genome position (GRCh38, 1-based): chr14:64,165,409, T>A. VCF-style: chr14-64165409-T-A. GRCh37 (hg19) VCF-style: chr14-64632127-T-A.
Other names: c.16604T>A, p.Leu5535Gln (NM_015180.6); short protein forms L5535Q.
Identifiers: ClinVar variation 1038162 (VCV001038162.8), dbSNP rs2098368827, ClinGen allele CA389963175.